The following is an entry in ClinVar:

NM_006206.6(PDGFRA):c.79_81dup (p.Leu27dup)

Gene: PDGFRA (platelet derived growth factor receptor alpha; plus strand). Cytogenetic location: 4q12.
Variant type: Duplication.
Coding change: c.79_81dup on transcript NM_006206.6 (MANE Select); coding-DNA positions 79 to 81, 3 bases duplicated (TTA; older notation c.79_81dupTTA).
Protein change: p.Leu27dup; duplicates leucine 27.
Molecular consequence: inframe insertion.
Genome position (GRCh38, 1-based): chr4:54,261,124-54,261,126, TTA duplicated; duplicating any 3 consecutive bases within chr4:54,261,123-54,261,126 gives the same sequence; the c. name uses the placement nearest the transcript's 3' end. VCF-style (leftmost placement, unchanged base first): chr4-54261122-C-CATT. GRCh37 (hg19) VCF-style: chr4-55127289-C-CATT.
Other names: c.79_81dup, p.Leu27dup (NM_001347827.2, NM_001347829.2); c.154_156dup, p.Leu52dup (NM_001347828.2); c.118_120dup, p.Leu40dup (NM_001347830.2); c.79_81dup (NM_006206.4).
Identifiers: ClinVar variation 648243 (VCV000648243.8), dbSNP rs1560466532, ClinGen allele CA915943070.

ClinVar aggregate classification (germline): Uncertain significance (1 of 4 stars; one submission).

Conditions:
Gastrointestinal stromal tumor. Also called: Gastrointestinal stromal tumor, somatic; Gastrointestinal stroma tumor. Identifiers: Orphanet 44890, MedGen C0238198, MeSH D046152, MONDO:0011719, OMIM 606764, HP:0100723.

Submission:

Labcorp Genetics (formerly Invitae), Labcorp
Classification: Uncertain significance for Gastrointestinal stromal tumor. Last evaluated: 2023-11-12. Review status: criteria provided, single submitter. Criteria: Invitae Variant Classification Sherloc (09022015). Collection method: clinical testing. Allele origin: germline.
Comment: This variant, c.79_81dup, results in the insertion of 1 amino acid(s) of the PDGFRA protein (p.Leu27dup), but otherwise preserves the integrity of the reading frame. This variant is not present in population databases (gnomAD no frequency). This variant has not been reported in the literature in individuals affected with PDGFRA-related conditions. ClinVar contains an entry for this variant (Variation ID: 648243). Experimental studies and prediction algorithms are not available or were not evaluated, and the functional significance of this variant is currently unknown. In summary, the available evidence is currently insufficient to determine the role of this variant in disease. Therefore, it has been classified as a Variant of Uncertain Significance.